The following is an entry in ClinVar:

ClinVar aggregate classification (germline): Pathogenic. Review status: criteria provided, multiple submitters, no conflicts (2 of 4 stars). 3 submissions from 3 submitters: Pathogenic (2). 1 of the submissions does not count toward it. Last evaluated 2026-01-27.

Conditions:
Osteosclerotic metaphyseal dysplasia (OSMD). Identifiers: Orphanet 500548, MedGen C3554665, MONDO:0014080, OMIM 615198.

gnomAD v4.1: 1 of 1,614,160 alleles (0.000062%); highest among the groups gnomAD compares: Non-Finnish European, 0.000085%; no homozygotes.

Submissions (3):

Laboratorio de Genetica e Diagnostico Molecular, Hospital Israelita Albert Einstein
Classification: Pathogenic for Osteosclerotic metaphyseal dysplasia. Last evaluated: 2026-01-27. Review status: criteria provided, single submitter. Criteria: ACMG Guidelines, 2015. Collection method: clinical testing. Allele origin: germline. Affected: yes.
Comment: ACMG classification criteria: PVS1 very strong, PM2 supporting, PM3 supporting

Genomic Research Center, Shahid Beheshti University of Medical Sciences
Classification: Pathogenic for Osteosclerotic metaphyseal dysplasia. Last evaluated: 2017-12-03. Review status: criteria provided, single submitter. Criteria: ACMG Guidelines, 2015. Collection method: clinical testing. Allele origin: inherited. Affected: yes.

OMIM
Classification: Pathogenic for OSTEOSCLEROTIC METAPHYSEAL DYSPLASIA. Last evaluated: 2021-12-14. Review status: no assertion criteria provided. Collection method: literature only. Allele origin: germline. Not counted in ClinVar's aggregate classification.

Literature cited by the submitters: PubMed 31571209 (cited by OMIM).

NM_024652.6(LRRK1):c.2785G>T (p.Glu929Ter)

Gene: LRRK1 (leucine rich repeat kinase 1; plus strand). Cytogenetic location: 15q26.3.
Variant type: single nucleotide variant.
Coding change: c.2785G>T on transcript NM_024652.6 (MANE Select); coding-DNA position 2785, G replaced by T.
Protein change: p.Glu929Ter; replaces glutamic acid 929 with a stop codon.
Molecular consequence: nonsense.
Genome position (GRCh38, 1-based): chr15:101,029,054, G>T. VCF-style: chr15-101029054-G-T. GRCh37 (hg19) VCF-style: chr15-101569259-G-T.
Other names: short protein forms E929*.
Identifiers: ClinVar variation 522616 (VCV000522616.6), dbSNP rs766875506, ClinGen allele CA393966307.
Genomic context (GRCh38, chr15:101,029,054, plus strand): 5'-TTCCCGGACACCAGCCACGGCCTGAGGAACCTCTACTTCCTCGACCCTATTTGGCTCTCC[G>T]AATGTCTGCAGAGGATCTTTAATATTAAGGGCTCTCGGTCAGTGGCCAAGAATGGGGTGA-3'